The following is an entry in ClinVar:

NC_000017.10:g.(?_78194005)_(78194132_?)del

Gene: SGSH (N-sulfoglucosamine sulfohydrolase; minus strand). Cytogenetic location: 17q25.3.
Variant type: Deletion.
Identifiers: ClinVar variation 1068595 (VCV001068595.1).

ClinVar aggregate classification (germline): Pathogenic (1 of 4 stars; one submission).

Conditions:
Mucopolysaccharidosis, MPS-III-A (MPS3A). Also called: mucopolysaccharidosis type 3A; MPS IIIA (Sanfilippo Syndrome Type A); HEPARAN SULFATE SULFATASE DEFICIENCY; MUCOPOLYSACCHARIDOSIS, TYPE IIIA, ATTENUATED; Mucopolysaccharidosis type IIIA (Sanfilippo A); Mucopolysaccharidosis, type IIIA. Identifiers: Orphanet 581, Orphanet 79269, MedGen C0086647, MONDO:0009655, OMIM 252900.

Submission:

Labcorp Genetics (formerly Invitae), Labcorp
Classification: Pathogenic for Mucopolysaccharidosis, MPS-III-A. Last evaluated: 2020-03-18. Review status: criteria provided, single submitter. Criteria: Invitae Variant Classification Sherloc (09022015). Collection method: clinical testing. Allele origin: germline.
Comment: This variant is a gross deletion of the genomic region encompassing exon 1 of the SGSH gene, which includes the initiator codon. The 5' end of this event is unknown as it extends beyond the assayed region for this gene and therefore may encompass additional genes. The 3' boundary is likely confined to intron 1 of the SGSH gene. This is expected to result in an absent or disrupted protein product. This variant has not been reported in the literature in individuals with SGSH-related conditions. Loss-of-function variants in SGSH are known to be pathogenic (PMID: 11182930, 21204211, 22976768). For these reasons, this variant has been classified as Pathogenic.

Literature cited by the submitters: PubMed 11182930; PubMed 21204211; PubMed 22976768.